The following is an entry in ClinVar:

ClinVar aggregate classification (germline): Pathogenic (1 of 4 stars; one submission).

Conditions:
Werner syndrome (WRN). Identifiers: Orphanet 902, MedGen C0043119, MONDO:0010196, OMIM 277700.

Allele frequency attached by ClinVar (database versions not stated): gnomAD exomes below 0.00001.
gnomAD v4.1: 1 of 1,594,714 alleles (0.000063%); highest among the groups gnomAD compares: Non-Finnish European, 0.000085%; no homozygotes.

Submission:

Labcorp Genetics (formerly Invitae), Labcorp
Classification: Pathogenic for Werner syndrome. Last evaluated: 2025-01-15. Review status: criteria provided, single submitter. Criteria: Invitae Variant Classification Sherloc (09022015). Collection method: clinical testing. Allele origin: germline.
Comment: This sequence change affects a donor splice site in intron 30 of the WRN gene. It is expected to disrupt RNA splicing. Variants that disrupt the donor or acceptor splice site typically lead to a loss of protein function (PMID: 16199547), and loss-of-function variants in WRN are known to be pathogenic (PMID: 16673358). This variant is not present in population databases (gnomAD no frequency). Disruption of this splice site has been observed in individual(s) with Werner syndrome (PMID: 9450180). It has also been observed to segregate with disease in related individuals. ClinVar contains an entry for this variant (Variation ID: 1495116). Algorithms developed to predict the effect of sequence changes on RNA splicing suggest that this variant may disrupt the consensus splice site. For these reasons, this variant has been classified as Pathogenic.

Literature cited by the submitters: PubMed 16199547; PubMed 16673358; PubMed 9450180.

NM_000553.6(WRN):c.3572+1G>T

Gene: WRN (WRN RecQ like helicase; plus strand). Cytogenetic location: 8p12.
Variant type: single nucleotide variant.
Coding change: c.3572+1G>T on transcript NM_000553.6 (MANE Select); the canonical splice donor site of the intron after coding-DNA position 3572, G replaced by T.
Molecular consequence: splice donor variant.
Genome position (GRCh38, 1-based): chr8:31,147,477, G>T. VCF-style: chr8-31147477-G-T. GRCh37 (hg19) VCF-style: chr8-31004993-G-T.
Identifiers: ClinVar variation 1495116 (VCV001495116.6), dbSNP rs2130441377, ClinGen allele CA370926254.